The following is an entry in ClinVar:

NM_015662.3(IFT172):c.5004C>A (p.Gly1668=)

Genes: IFT172 (intraflagellar transport 172; minus strand), KRTCAP3 (keratinocyte associated protein 3; plus strand). Cytogenetic location: 2p23.3.
Variant type: single nucleotide variant.
Coding change: c.5004C>A on transcript NM_015662.3 (MANE Select); coding-DNA position 5004, C replaced by A.
Protein change: p.Gly1668=; no amino-acid change (glycine 1668 retained).
Molecular consequence: synonymous variant. On other transcripts: intron variant (1).
Genome position (GRCh38, 1-based): chr2:27,445,360, G>T on the plus strand (C>A on the coding strand, the complement: IFT172 is on the minus strand). VCF-style: chr2-27445360-G-T. GRCh37 (hg19) VCF-style: chr2-27668227-G-T.
Other names: c.4938C>A, p.Gly1646= (NM_001410739.1); c.*6-941G>T (NM_001168364.2).
Identifiers: ClinVar variation 4954295 (VCV004954295.2).

ClinVar aggregate classification (germline): Likely benign. Review status: criteria provided, multiple submitters, no conflicts (2 of 4 stars). 2 submissions from 2 submitters: Likely benign (2). Last evaluated 2025-11-17.

Conditions:
IFT172-related disorder. Also called: IFT172-related condition; IFT172-related disorders.

gnomAD v4.1: 6 of 1,612,960 alleles (0.00037%); highest among the groups gnomAD compares: Admixed American, 0.01%; no homozygotes.

Submissions (2):

PreventionGenetics, part of Exact Sciences
Classification: Likely benign for IFT172-related condition. Last evaluated: 2025-11-17. Review status: criteria provided, single submitter. Criteria: ACMG Guidelines, 2015. Collection method: clinical testing. Allele origin: germline.
Comment: This variant is classified as likely benign based on ACMG/AMP sequence variant interpretation guidelines (Richards et al. 2015 PMID: 25741868, with internal and published modifications).

Blueprint Genetics
Classification: Likely benign. Last evaluated: 2021-11-15. Review status: criteria provided, single submitter. Criteria: ACMG Guidelines, 2015. Collection method: clinical testing. Allele origin: germline.